The following is an entry in ClinVar:

NM_001374259.2(IL12RB2):c.460T>C (p.Tyr154His)

Gene: IL12RB2 (interleukin 12 receptor subunit beta 2; plus strand). Cytogenetic location: 1p31.3.
Variant type: single nucleotide variant.
Coding change: c.460T>C on transcript NM_001374259.2 (MANE Select); coding-DNA position 460, T replaced by C.
Protein change: p.Tyr154His; replaces tyrosine 154 with histidine.
Molecular consequence: missense variant. On other transcripts: non-coding transcript variant (2).
Genome position (GRCh38, 1-based): chr1:67,326,830, T>C. VCF-style: chr1-67326830-T-C. GRCh37 (hg19) VCF-style: chr1-67792513-T-C.
Other names: c.460T>C, p.Tyr154His (NM_001258214.1, NM_001258215.1, NM_001258216.1 and 2 more transcripts); short protein forms Y154H.
Identifiers: ClinVar variation 2099040 (VCV002099040.4), dbSNP rs747390356, ClinGen allele CA23500018.

ClinVar aggregate classification (germline): Uncertain significance (1 of 4 stars; one submission).

Allele frequency attached by ClinVar (database versions not stated): gnomAD exomes below 0.00001; TOPMed below 0.00001.
gnomAD v4.1: 2 of 1,613,410 alleles (0.00012%); highest among the groups gnomAD compares: Middle Eastern, 0.017%; no homozygotes.

Submission:

Labcorp Genetics (formerly Invitae), Labcorp
Classification: Uncertain significance. Last evaluated: 2024-10-29. Review status: criteria provided, single submitter. Criteria: Invitae Variant Classification Sherloc (09022015). Collection method: clinical testing. Allele origin: germline.
Comment: This sequence change replaces tyrosine, which is neutral and polar, with histidine, which is basic and polar, at codon 154 of the IL12RB2 protein (p.Tyr154His). This variant is not present in population databases (gnomAD no frequency). This variant has not been reported in the literature in individuals affected with IL12RB2-related conditions. ClinVar contains an entry for this variant (Variation ID: 2099040). An algorithm developed to predict the effect of missense changes on protein structure and function (PolyPhen-2) suggests that this variant is likely to be tolerated. In summary, the available evidence is currently insufficient to determine the role of this variant in disease. Therefore, it has been classified as a Variant of Uncertain Significance.